The following is an entry in ClinVar:

ClinVar aggregate classification (germline): Uncertain significance. Review status: criteria provided, multiple submitters, no conflicts (2 of 4 stars). 2 submissions from 2 submitters: Uncertain significance (2). Last evaluated 2024-12-22.

Allele frequency attached by ClinVar (database versions not stated): TOPMed 0.00003; ExAC 0.00005; gnomAD 0.00005; ESP Exome Variant Server 0.00015; gnomAD exomes 0.00017.
gnomAD v4.1: 246 of 1,613,890 alleles (0.015%); highest among the groups gnomAD compares: Non-Finnish European, 0.021%; no homozygotes.

Submissions (2):

Labcorp Genetics (formerly Invitae), Labcorp
Classification: Uncertain significance. Last evaluated: 2024-12-22. Review status: criteria provided, single submitter. Criteria: Invitae Variant Classification Sherloc (09022015). Collection method: clinical testing. Allele origin: germline.
Comment: This sequence change replaces threonine, which is neutral and polar, with alanine, which is neutral and non-polar, at codon 73 of the ADGRE2 protein (p.Thr73Ala). This variant is present in population databases (rs373694959, gnomAD 0.008%). This variant has not been reported in the literature in individuals affected with ADGRE2-related conditions. ClinVar contains an entry for this variant (Variation ID: 2511720). An algorithm developed to predict the effect of missense changes on protein structure and function (PolyPhen-2) suggests that this variant is likely to be tolerated. In summary, the available evidence is currently insufficient to determine the role of this variant in disease. Therefore, it has been classified as a Variant of Uncertain Significance.

Ambry Genetics
Classification: Uncertain significance. Last evaluated: 2023-05-31. Review status: criteria provided, single submitter. Criteria: Ambry Variant Classification Scheme 2023. Collection method: clinical testing. Allele origin: germline.

NM_013447.4(ADGRE2):c.217A>G (p.Thr73Ala)

Gene: ADGRE2 (adhesion G protein-coupled receptor E2; minus strand). Cytogenetic location: 19p13.12.
Variant type: single nucleotide variant.
Coding change: c.217A>G on transcript NM_013447.4 (MANE Select); coding-DNA position 217, A replaced by G.
Protein change: p.Thr73Ala; replaces threonine 73 with alanine.
Molecular consequence: missense variant.
Genome position (GRCh38, 1-based): chr19:14,772,480, T>C on the plus strand (A>G on the coding strand, the complement: ADGRE2 is on the minus strand). VCF-style: chr19-14772480-T-C. GRCh37 (hg19) VCF-style: chr19-14883292-T-C.
Other names: c.217A>G, p.Thr73Ala (NM_001271052.1, NM_152916.2, NM_152917.2); short protein forms T73A.
Identifiers: ClinVar variation 2511720 (VCV002511720.5), dbSNP rs373694959, ClinGen allele CA9258241.